The following is an entry in ClinVar:

ClinVar aggregate classification (germline): Uncertain significance (1 of 4 stars; one submission).

Submission:

CeGaT Center for Human Genetics Tuebingen
Classification: Uncertain significance. Last evaluated: 2024-06-01. Review status: criteria provided, single submitter. Criteria: CeGaT Center For Human Genetics Tuebingen Variant Classification Criteria Version 2. Collection method: clinical testing. Allele origin: germline. Affected: yes. Observed: 1 variant allele.
Comment: ZC4H2: PM2

NM_018684.4(ZC4H2):c.356G>A (p.Arg119Lys)

Gene: ZC4H2 (zinc finger C4H2-type containing; minus strand). Cytogenetic location: Xq11.2.
Variant type: single nucleotide variant.
Coding change: c.356G>A on transcript NM_018684.4 (MANE Select); coding-DNA position 356, G replaced by A.
Protein change: p.Arg119Lys; replaces arginine 119 with lysine.
Molecular consequence: missense variant. On other transcripts: non-coding transcript variant (1).
Genome position (GRCh38, 1-based): chrX:64,920,123, C>T on the plus strand (G>A on the coding strand, the complement: ZC4H2 is on the minus strand). VCF-style: chrX-64920123-C-T. GRCh37 (hg19) VCF-style: chrX-64140003-C-T.
Other names: c.287G>A, p.Arg96Lys (NM_001178032.3, NM_001243804.2); c.356G>A, p.Arg119Lys (NM_001178033.3); short protein forms R119K, R96K.
Identifiers: ClinVar variation 3251016 (VCV003251016.18), dbSNP rs2147348056.